The following is an entry in ClinVar:

ClinVar aggregate classification (germline): Benign (0 of 4 stars; one submission).

Conditions:
NIPAL3-related disorder. Also called: NIPAL3-related condition.

Allele frequency attached by ClinVar (database versions not stated): gnomAD 0.00419; TOPMed 0.00510; 1000 Genomes Project 0.00519; 1000 Genomes Project 30x 0.00562.

Submission:

PreventionGenetics, part of Exact Sciences
Classification: Benign for NIPAL3-related condition. Last evaluated: 2019-07-25. Review status: no assertion criteria provided. Collection method: clinical testing. Allele origin: germline.
Comment: This variant is classified as benign based on ACMG/AMP sequence variant interpretation guidelines (Richards et al. 2015 PMID: 25741868, with internal and published modifications).

NM_020448.5(NIPAL3):c.-328C>T

Gene: NIPAL3 (NIPA like domain containing 3; plus strand). Cytogenetic location: 1p36.11.
Variant type: single nucleotide variant.
Coding change: c.-328C>T on transcript NM_020448.5 (MANE Select); 328 bases upstream of the start codon, C replaced by T.
Molecular consequence: 5 prime UTR variant. On other transcripts: missense variant (1), non-coding transcript variant (3), intron variant (1).
Genome position (GRCh38, 1-based): chr1:24,415,834, C>T. VCF-style: chr1-24415834-C-T. GRCh37 (hg19) VCF-style: chr1-24742324-C-T.
Other names: c.-603C>T (NM_001322855.2, NM_001330409.2); c.-560C>T (NM_001322856.2); c.-961C>T (NM_001322858.2); c.-570C>T (NM_001322859.2); c.-510C>T (NM_001322860.2); c.-220C>T (NM_001322861.2); c.-684C>T (NM_001322862.2); c.-656C>T (NM_001322863.2); and 3 more; short protein forms P7L.
Identifiers: ClinVar variation 3049381 (VCV003049381.2), dbSNP rs139905565, ClinGen allele CA19375395.
Genomic context (GRCh38, chr1:24,415,834, plus strand): 5'-CAAAACACTGCAGCATCTTGGCAGCTCTGAATTGGGAAGGGATGAAGGAGGCTGTGCCTC[C>T]GGGTTGCACGAAGAGTCCGAGTCATTTCTCAGAAGGTTTTGATAGGTGGGCCTTAGAGGA-3'